The following is an entry in ClinVar:

ClinVar aggregate classification (germline): Likely benign (1 of 4 stars; one submission).

Conditions:
BLTP1-related disorder. Also called: BLTP1-related condition.

Submission:

PreventionGenetics, part of Exact Sciences
Classification: Likely benign for BLTP1-related condition. Last evaluated: 2026-03-12. Review status: criteria provided, single submitter. Criteria: ACMG Guidelines, 2015. Collection method: clinical testing. Allele origin: germline.
Comment: This variant is classified as likely benign based on ACMG/AMP sequence variant interpretation guidelines (Richards et al. 2015 PMID: 25741868, with internal and published modifications).

NM_001384125.1(BLTP1):c.12054C>T (p.Ser4018=)

Gene: BLTP1 (bridge-like lipid transfer protein family member 1; plus strand). Cytogenetic location: 4q27.
Variant type: single nucleotide variant.
Coding change: c.12054C>T on transcript NM_001384125.1 (MANE Select); coding-DNA position 12054, C replaced by T.
Protein change: p.Ser4018=; no amino-acid change (serine 4018 retained).
Molecular consequence: synonymous variant.
Genome position (GRCh38, 1-based): chr4:122,334,487, C>T. VCF-style: chr4-122334487-C-T. GRCh37 (hg19) VCF-style: chr4-123255642-C-T.
Other names: c.11790C>T, p.Ser3930= (NM_015312.4).
Identifiers: ClinVar variation 4992347 (VCV004992347.1).